The following is an entry in ClinVar:

ClinVar aggregate classification (germline): Uncertain significance (1 of 4 stars; one submission).

Conditions:
Inborn genetic diseases. Identifiers: MedGen C0950123, MeSH D030342.

Allele frequency attached by ClinVar (database versions not stated): TOPMed below 0.00001; gnomAD 0.00001; gnomAD exomes 0.00001.
gnomAD v4.1: 22 of 1,612,902 alleles (0.0014%); highest among the groups gnomAD compares: Non-Finnish European, 0.0019%; no homozygotes.

Submission:

Ambry Genetics
Classification: Uncertain significance for Inborn genetic diseases. Last evaluated: 2022-02-01. Review status: criteria provided, single submitter. Criteria: Ambry Variant Classification Scheme 2023. Collection method: clinical testing. Allele origin: germline.
Comment: The c.1906C>T (p.R636C) alteration is located in exon 18 (coding exon 18) of the ATP13A2 gene. This alteration results from a C to T substitution at nucleotide position 1906, causing the arginine (R) at amino acid position 636 to be replaced by a cysteine (C). The in silico prediction for this alteration is inconclusive. Based on insufficient or conflicting evidence, the clinical significance of this alteration remains unclear.

NM_022089.4(ATP13A2):c.1906C>T (p.Arg636Cys)

Gene: ATP13A2 (ATPase cation transporting 13A2; minus strand). Cytogenetic location: 1p36.13.
Variant type: single nucleotide variant.
Coding change: c.1906C>T on transcript NM_022089.4 (MANE Select); coding-DNA position 1906, C replaced by T.
Protein change: p.Arg636Cys; replaces arginine 636 with cysteine.
Molecular consequence: missense variant.
Genome position (GRCh38, 1-based): chr1:16,992,342, G>A on the plus strand (C>T on the coding strand, the complement: ATP13A2 is on the minus strand). VCF-style: chr1-16992342-G-A. GRCh37 (hg19) VCF-style: chr1-17318837-G-A.
Other names: c.1891C>T, p.Arg631Cys (NM_001141973.3, NM_001141974.3); short protein forms R636C, R631C.
Identifiers: ClinVar variation 2267364 (VCV002267364.2), dbSNP rs1236601412, ClinGen allele CA338246318.